The following is an entry in ClinVar:

ClinVar aggregate classification (germline): Conflicting classifications of pathogenicity. Review status: criteria provided, conflicting classifications (1 of 4 stars). 6 submissions from 6 submitters: Likely pathogenic (3); Uncertain significance (3). Last evaluated 2025-12-26.

Conditions:
Type 2 diabetes mellitus. Also called: Type II diabetes mellitus. Identifiers: MedGen C0011860, MeSH D003924, MONDO:0005148, OMIM 125853, HP:0005978.
Leucine-induced hypoglycemia (LIH). Also called: LEUCINE-SENSITIVE HYPOGLYCEMIA OF INFANCY. Identifiers: MedGen C0271714, MONDO:0009415, OMIM 240800.
Diabetes mellitus, permanent neonatal 3. Also called: ABCC8-Related Permanent Neonatal Diabetes Mellitus. Identifiers: MedGen C5394303, MONDO:0030088, OMIM 618857.
Diabetes mellitus, transient neonatal, 2 (TNDM2). Identifiers: Orphanet 99886, MedGen C1835887, MONDO:0012480, OMIM 610374. Disease mechanism: loss of function.
Hyperinsulinemic hypoglycemia, familial, 1 (HHF1). Also called: Persistent hyperinsulinemic hypoglycemia of infancy; Persistent Hyperinsulinemia Hypoglycemia of Infancy; HYPERINSULINISM, FAMILIAL, WITH PANCREATIC NESIDIOBLASTOSIS; HYPOGLYCEMIA, HYPERINSULINEMIC, OF INFANCY; NESIDIOBLASTOSIS OF PANCREAS. Identifiers: Orphanet 276575, Orphanet 276598, MedGen C2931832, MONDO:0009734, OMIM 256450.
Hereditary hyperinsulinism.
Inborn genetic diseases. Identifiers: MedGen C0950123, MeSH D030342.

Allele frequency attached by ClinVar (database versions not stated): ExAC 0.00001; gnomAD exomes 0.00002; gnomAD 0.00003; TOPMed 0.00004.
gnomAD v4.1: 40 of 1,613,642 alleles (0.0025%); highest among the groups gnomAD compares: East Asian, 0.0045%; no homozygotes.

Submissions (6):

Natera, Inc.
Classification: Likely pathogenic for Hereditary hyperinsulinism. Last evaluated: 2025-12-26. Review status: criteria provided, single submitter. Criteria: Natera Variant Classification Schema (03/2026). Collection method: clinical testing. Allele origin: germline.
Comment: The c.916C>T variant in ABCC8 is a missense variant predicted to cause substitution of arginine to cysteine at amino acid 306. This variant is rare in the general population with a frequency below the threshold expected for the associated phenotype(s). This variant has been observed in one or more individuals affected with the associated recessive disease, as either homozygous or compound heterozygous with a second variant (PMID: 34304300). This variant has been observed in affected individual(s) with monoallelic occurrence (heterozygous/hemizygous) (PMID: 33300273). This variant has been observed to segregate in affected family members (PMID: 33300273). This variant has been identified in one or more affected individual with a phenotype highly consistent with the associated gene (PMID: 34304300). Computational prediction algorithms indicate this variant is likely to affect gene or protein function. Given the available evidence, this variant is classified as Likely Pathogenic.

Labcorp Genetics (formerly Invitae), Labcorp
Classification: Likely pathogenic. Last evaluated: 2025-12-13. Review status: criteria provided, single submitter. Criteria: Invitae Variant Classification Sherloc (09022015). Collection method: clinical testing. Allele origin: germline.
Comment: This sequence change replaces arginine, which is basic and polar, with cysteine, which is neutral and slightly polar, at codon 306 of the ABCC8 protein (p.Arg306Cys). This variant is present in population databases (rs751228166, gnomAD 0.01%). This missense change has been observed in individuals with clinical features of autosomal recessive congenital hyperinsulinism (PMID: 23275527, 32928245, 34304300, 37071846). ClinVar contains an entry for this variant (Variation ID: 1802689). Invitae Evidence Modeling of protein sequence and biophysical properties (such as structural, functional, and spatial information, amino acid conservation, physicochemical variation, residue mobility, and thermodynamic stability) indicates that this missense variant is expected to disrupt ABCC8 protein function with a positive predictive value of 95%. In summary, the currently available evidence indicates that the variant is pathogenic, but additional data are needed to prove that conclusively. Therefore, this variant has been classified as Likely Pathogenic.

Fulgent Genetics
Classification: Likely pathogenic for Type 2 diabetes mellitus; Leucine-induced hypoglycemia; Hyperinsulinemic hypoglycemia, familial, 1; Diabetes mellitus, transient neonatal, 2; Diabetes mellitus, permanent neonatal 3. Last evaluated: 2024-04-25. Review status: criteria provided, single submitter. Criteria: ACMG Guidelines, 2015. Collection method: clinical testing. Allele origin: germline.

MVZ Dr. Eberhard & Partner Dortmund
Classification: Uncertain significance. Last evaluated: 2022-04-05. Review status: criteria provided, single submitter. Criteria: ACMG Guidelines, 2015. Collection method: clinical testing. Allele origin: unknown. Observed: 1 heterozygote.
Comment: In this missense variant Arginine is replaced with Cysteine at position 306 in ABCC8. Algorithms developed to predict the effect of missense changes in protein structure (e.g. Varsome, Mutation Taster) support a deleterious effect on the gene or gene product but the allelic frequency of about 0.003 % seems to be to high for a very rare and dominant inherited disease. This missense variant was reported in patients with diabetes of unknown type who were part of a Diabetes Type 2 cohort or related to patients with congenital hyperinsulinism (PMID: 29207974, PMID: 33300273, PMID: 33046911) and there are also some patients described with congenital hyperinsulinism where this variant occurred in compound heterozygosity (PMID: 28929366, PMID: 32928245, PMID: 34304300). The evidence at hand is not sufficient to determine the role of this variant in diabetes.

Baylor Genetics
Classification: Uncertain significance for Type 2 diabetes mellitus. Last evaluated: 2022-01-30. Review status: criteria provided, single submitter. Criteria: ACMG Guidelines, 2015. Collection method: clinical testing. Allele origin: unknown.

Ambry Genetics
Classification: Uncertain significance for Inborn genetic diseases. Last evaluated: 2021-07-19. Review status: criteria provided, single submitter. Criteria: Ambry Variant Classification Scheme 2023. Collection method: clinical testing. Allele origin: germline.

Literature cited by the submitters: PubMed 34304300 (cited by Natera, Inc. and Labcorp Genetics (formerly Invitae), Labcorp); PubMed 33300273 (cited by Natera, Inc.); PubMed 23275527 (cited by Labcorp Genetics (formerly Invitae), Labcorp); PubMed 32928245 (cited by Labcorp Genetics (formerly Invitae), Labcorp); PubMed 37071846 (cited by Labcorp Genetics (formerly Invitae), Labcorp).

NM_000352.6(ABCC8):c.916C>T (p.Arg306Cys)

Gene: ABCC8 (ATP binding cassette subfamily C member 8; minus strand). Cytogenetic location: 11p15.1.
Variant type: single nucleotide variant.
Coding change: c.916C>T on transcript NM_000352.6 (MANE Select); coding-DNA position 916, C replaced by T.
Protein change: p.Arg306Cys; replaces arginine 306 with cysteine.
Molecular consequence: missense variant. On other transcripts: non-coding transcript variant (1).
Genome position (GRCh38, 1-based): chr11:17,460,583, G>A on the plus strand (C>T on the coding strand, the complement: ABCC8 is on the minus strand). VCF-style: chr11-17460583-G-A. GRCh37 (hg19) VCF-style: chr11-17482130-G-A.
Other names: c.916C>T, p.Arg306Cys (NM_001287174.3, NM_001351295.2); c.913C>T, p.Arg305Cys (NM_001351296.2, NM_001351297.2); c.916C>T (NM_000352.3); short protein forms R305C, R306C.
Identifiers: ClinVar variation 1802689 (VCV001802689.11), dbSNP rs751228166, ClinGen allele CA5903728.